The following is an entry in ClinVar:

NM_000516.7(GNAS):c.257+7A>G

Gene: GNAS (GNAS complex locus; plus strand). Cytogenetic location: 20q13.32.
Variant type: single nucleotide variant.
Coding change: c.257+7A>G on transcript NM_000516.7 (MANE Select); 7 bases into the intron after coding-DNA position 257, A replaced by G.
Molecular consequence: intron variant.
Genome position (GRCh38, 1-based): chr20:58,898,992, A>G. VCF-style: chr20-58898992-A-G. GRCh37 (hg19) VCF-style: chr20-57474047-A-G.
Other names: c.*160+7A>G (NM_016592.5); c.161+7A>G (NM_001410912.1); c.80+7A>G (NM_001309861.2, NM_001439291.1, NM_001309840.2 and 1 more transcripts); c.*118+7A>G (NM_001077490.3); c.2186+7A>G (NM_080425.4); c.2141+3308A>G (NM_001410913.1); c.*276+7A>G (NM_001309883.1); c.35+3308A>G (NM_001438273.1, NM_001438274.1, NM_001438275.1); and 2 more.
Identifiers: ClinVar variation 4993195 (VCV004993195.1).

ClinVar aggregate classification (germline): Uncertain significance (1 of 4 stars; one submission).

Conditions:
GNAS-related disorder. Identifiers: MedGen CN380105.

Submission:

PreventionGenetics, part of Exact Sciences
Classification: Uncertain significance for GNAS-related condition. Last evaluated: 2025-08-26. Review status: criteria provided, single submitter. Criteria: ACMG Guidelines, 2015. Collection method: clinical testing. Allele origin: germline.
Comment: The GNAS c.257+7A>G variant is predicted to interfere with splicing. To our knowledge, this variant has not been reported in the literature or in a large population database (gnomAD), indicating this variant is rare. At this time, the clinical significance of this variant is uncertain due to the absence of conclusive functional and genetic evidence.